The following is an entry in ClinVar:

NM_000282.4(PCCA):c.1539del (p.Gly514fs)

Gene: PCCA (propionyl-CoA carboxylase subunit alpha; plus strand). Cytogenetic location: 13q32.3.
Variant type: Deletion.
Coding change: c.1539del on transcript NM_000282.4 (MANE Select); coding-DNA position 1539, one base deleted (A; older notation c.1539delA).
Protein change: p.Gly514fs; shifts the reading frame from glycine 514.
Molecular consequence: frameshift variant. On other transcripts: non-coding transcript variant (5).
Genome position (GRCh38, 1-based): chr13:100,330,670, A deleted; the last of 3 consecutive A bases (chr13:100,330,668-100,330,670); deleting any one gives the same sequence. VCF-style (leftmost placement, unchanged base first): chr13-100330667-CA-C. GRCh37 (hg19) VCF-style: chr13-100982921-CA-C.
Other names: c.1461del, p.Gly488fs (NM_001127692.3, NM_001352607.2); c.1539del, p.Gly514fs (NM_001178004.2, NM_001352605.2, NM_001352609.2); c.1395del, p.Gly466fs (NM_001352606.2); c.1317del, p.Gly440fs (NM_001352608.2); c.594del, p.Gly199fs (NM_001352610.2, NM_001352611.2); c.450del, p.Gly151fs (NM_001352612.2); short protein forms G151fs, G514fs, G488fs, G440fs, G199fs, G466fs.
Identifiers: ClinVar variation 1451161 (VCV001451161.6), dbSNP rs1566945996, ClinGen allele CA919343535.

ClinVar aggregate classification (germline): Pathogenic (1 of 4 stars; one submission).

Conditions:
Propionic acidemia (PROP). Also called: GLYCINEMIA, KETOTIC; HYPERGLYCINEMIA WITH KETOACIDOSIS AND LEUKOPENIA; KETOTIC HYPERGLYCINEMIA. Identifiers: Orphanet 35, MedGen C0268579, MONDO:0011628, OMIM 606054, HP:0003571.

Submission:

Labcorp Genetics (formerly Invitae), Labcorp
Classification: Pathogenic for Propionic acidemia. Last evaluated: 2021-01-05. Review status: criteria provided, single submitter. Criteria: Invitae Variant Classification Sherloc (09022015). Collection method: clinical testing. Allele origin: germline.
Comment: For these reasons, this variant has been classified as Pathogenic. This variant has not been reported in the literature in individuals with PCCA-related conditions. This variant is not present in population databases (ExAC no frequency). This sequence change creates a premature translational stop signal (p.Gly514Aspfs*4) in the PCCA gene. It is expected to result in an absent or disrupted protein product. Loss-of-function variants in PCCA are known to be pathogenic (PMID: 15464417).

Literature cited by the submitters: PubMed 15464417.